The following is an entry in ClinVar:

NM_198129.4(LAMA3):c.5304-19C>G

Gene: LAMA3 (laminin subunit alpha 3; plus strand). Cytogenetic location: 18q11.2.
Variant type: single nucleotide variant.
Coding change: c.5304-19C>G on transcript NM_198129.4 (MANE Select); 19 bases into the intron before coding-DNA position 5304, C replaced by G.
Molecular consequence: intron variant.
Genome position (GRCh38, 1-based): chr18:23,889,992, C>G. VCF-style: chr18-23889992-C-G. GRCh37 (hg19) VCF-style: chr18-21469956-C-G.
Other names: c.5304-19C>G (NM_001127717.4); c.477-19C>G (NM_000227.6, NM_001127718.4).
Identifiers: ClinVar variation 5003582 (VCV005003582.1).
Genomic context (GRCh38, chr18:23,889,992, plus strand): 5'-GAGCTAGAGATTGAGAAAATTGGTTGAGATAAACGATGAGTTATTTGGGTGTTTCTCCTC[C>G]TCTCTATATTTTGTGTAGGTGTGCACCGGGATATTTCGGGAATCCCCAGAAATTCGGAGG-3'

ClinVar aggregate classification (germline): Uncertain significance (1 of 4 stars; one submission).

Conditions:
Junctional epidermolysis bullosa. Identifiers: Orphanet 305, MedGen C0079301, MONDO:0017612.

gnomAD v4.1: 2 of 1,574,256 alleles (0.00013%); no homozygotes.

Submission:

Myriad Genetics, Inc.
Classification: Uncertain significance for Junctional epidermolysis bullosa. Last evaluated: 2026-05-29. Review status: criteria provided, single submitter. Criteria: Myriad Autosomal Dominant, Autosomal Recessive and X-Linked Classification Criteria (2023). Collection method: clinical testing. Allele origin: unknown.
Comment: NM_000227.3(LAMA3):c.477-19C>G is an intronic variant classified as a variant of uncertain significance in the context of junctional epidermolysis bullosa, LAMA3-related. c.477-19C>G has not been observed in cases with relevant disease. Relevant functional assessments of this variant are not available in the literature. c.477-19C>G has not been observed in referenced population frequency databases. In summary, there is insufficient evidence to classify NM_000227.3(LAMA3):c.477-19C>G as pathogenic or benign. Please note: this variant was assessed in the context of healthy population screening.